The following is an entry in ClinVar:

ClinVar aggregate classification (germline): Uncertain significance. Review status: criteria provided, multiple submitters, no conflicts (2 of 4 stars). 2 submissions from 2 submitters: Uncertain significance (2). Last evaluated 2023-02-16.

Conditions:
Cardiovascular phenotype. Identifiers: MedGen CN230736.
Hereditary cancer-predisposing syndrome. Also called: Hereditary neoplastic syndrome; Neoplastic Syndromes, Hereditary; Tumor predisposition; Hereditary Cancer Syndrome. Identifiers: Orphanet 140162, MedGen C0027672, MeSH D009386, MONDO:0015356.
Neurofibromatosis, type 1 (NF1). Also called: Peripheral type neurofibromatosis; Neurofibromatosis, type I; VON RECKLINGHAUSEN DISEASE; NEUROFIBROMATOSIS, TYPE I, SOMATIC. Identifiers: Orphanet 636, MedGen C0027831, MONDO:0018975, OMIM 162200. Disease mechanism: loss of function.

Submissions (2):

Ambry Genetics
Classification: Uncertain significance for Cardiovascular phenotype; Hereditary cancer-predisposing syndrome. Last evaluated: 2023-02-16. Review status: criteria provided, single submitter. Criteria: Ambry Variant Classification Scheme 2023. Collection method: clinical testing. Allele origin: germline.
Comment: The p.A1240V variant (also known as c.3719C>T), located in coding exon 28 of the NF1 gene, results from a C to T substitution at nucleotide position 3719. The alanine at codon 1240 is replaced by valine, an amino acid with similar properties. This amino acid position is highly conserved in available vertebrate species. In addition, this alteration is predicted to be deleterious by in silico analysis. Since supporting evidence is limited at this time, the clinical significance of this alteration remains unclear.

Labcorp Genetics (formerly Invitae), Labcorp
Classification: Uncertain significance for Neurofibromatosis, type 1. Last evaluated: 2022-11-11. Review status: criteria provided, single submitter. Criteria: Invitae Variant Classification Sherloc (09022015). Collection method: clinical testing. Allele origin: germline.
Comment: This sequence change replaces alanine, which is neutral and non-polar, with valine, which is neutral and non-polar, at codon 1240 of the NF1 protein (p.Ala1240Val). This variant is not present in population databases (gnomAD no frequency). This variant has not been reported in the literature in individuals affected with NF1-related conditions. ClinVar contains an entry for this variant (Variation ID: 1022774). Advanced modeling of protein sequence and biophysical properties (such as structural, functional, and spatial information, amino acid conservation, physicochemical variation, residue mobility, and thermodynamic stability) performed at Invitae indicates that this missense variant is expected to disrupt NF1 protein function. In summary, the available evidence is currently insufficient to determine the role of this variant in disease. Therefore, it has been classified as a Variant of Uncertain Significance.

NM_001042492.3(NF1):c.3719C>T (p.Ala1240Val)

Gene: NF1 (neurofibromin 1; plus strand). Cytogenetic location: 17q11.2.
Variant type: single nucleotide variant.
Coding change: c.3719C>T on transcript NM_001042492.3 (MANE Select); coding-DNA position 3719, C replaced by T.
Protein change: p.Ala1240Val; replaces alanine 1240 with valine.
Molecular consequence: missense variant.
Genome position (GRCh38, 1-based): chr17:31,235,621, C>T. VCF-style: chr17-31235621-C-T. GRCh37 (hg19) VCF-style: chr17-29562639-C-T.
Other names: c.3719C>T, p.Ala1240Val (NM_000267.4); short protein forms A1240V.
Identifiers: ClinVar variation 1022774 (VCV001022774.7), dbSNP rs2067185676, ClinGen allele CA398992317.